The following is an entry in ClinVar:

NM_138615.3(DHX30):c.2349G>A (p.Ala783=)

Gene: DHX30 (DExH-box helicase 30; plus strand). Cytogenetic location: 3p21.31.
Variant type: single nucleotide variant.
Coding change: c.2349G>A on transcript NM_138615.3 (MANE Select); coding-DNA position 2349, G replaced by A.
Protein change: p.Ala783=; no amino-acid change (alanine 783 retained).
Molecular consequence: synonymous variant.
Genome position (GRCh38, 1-based): chr3:47,848,242, G>A. VCF-style: chr3-47848242-G-A. GRCh37 (hg19) VCF-style: chr3-47889732-G-A.
Other names: c.2265G>A, p.Ala755= (NM_001330990.2); c.2232G>A, p.Ala744= (NM_014966.4).
Identifiers: ClinVar variation 4820952 (VCV004820952.4).

ClinVar aggregate classification (germline): Likely benign (1 of 4 stars; one submission).

gnomAD v4.1: 61 of 1,613,482 alleles (0.0038%); highest among the groups gnomAD compares: East Asian, 0.022%; no homozygotes.

Submission:

CeGaT Center for Human Genetics Tuebingen
Classification: Likely benign. Last evaluated: 2026-05-01. Review status: criteria provided, single submitter. Criteria: CeGaT Center For Human Genetics Tuebingen Variant Classification Criteria Version 2. Collection method: clinical testing. Allele origin: germline. Affected: yes. Observed: 2 variant alleles.
Comment: DHX30: BP4, BP7